The following is an entry in ClinVar:

NM_001370658.1(BTD):c.253G>A (p.Val85Ile)

Gene: BTD (biotinidase; plus strand). Cytogenetic location: 3p25.1.
Variant type: single nucleotide variant.
Coding change: c.253G>A on transcript NM_001370658.1 (MANE Select); coding-DNA position 253, G replaced by A.
Protein change: p.Val85Ile; replaces valine 85 with isoleucine.
Molecular consequence: missense variant.
Genome position (GRCh38, 1-based): chr3:15,641,911, G>A. VCF-style: chr3-15641911-G-A. GRCh37 (hg19) VCF-style: chr3-15683418-G-A.
Other names: c.313G>A, p.Val105Ile (NM_000060.4); c.253G>A, p.Val85Ile (NM_001281723.4, NM_001281724.3, NM_001281725.3 and 36 more transcripts); c.316G>A, p.Val106Ile (NM_001407381.1); short protein forms V106I, V85I, V105I.
Identifiers: ClinVar variation 3018596 (VCV003018596.4), dbSNP rs1385213836, ClinGen allele CA351605022.
Genomic context (GRCh38, chr3:15,641,911, plus strand): 5'-GCAGCGGTTCTTCCTGCCATCTGATAACAGACTATTCTTTGATGTTTTCATTTTCAGGAT[G>A]TACAGATTATAGTGTTTCCAGAAGATGGCATTCATGGATTCAACTTTACAAGAACATCCA-3'
Protein context (NP_001357587.1, residues 75-95): QQVMTAAQKD[Val85Ile]QIIVFPEDGI

ClinVar aggregate classification (germline): Conflicting classifications of pathogenicity. Review status: criteria provided, conflicting classifications (1 of 4 stars). 2 submissions from 2 submitters: Likely pathogenic (1); Uncertain significance (1). Last evaluated 2025-12-31.

Conditions:
Biotinidase deficiency. Also called: BTD deficiency; Late-onset biotin-responsive multiple carboxylase deficiency; Biotin deficiency. Identifiers: Orphanet 79241, MedGen C0220754, MONDO:0009665, OMIM 253260.

Allele frequency attached by ClinVar (database versions not stated): gnomAD exomes 0.00001.
gnomAD v4.1: 12 of 1,606,536 alleles (0.00075%); highest among the groups gnomAD compares: Admixed American, 0.0017%; no homozygotes.

Submissions (2):

Labcorp Genetics (formerly Invitae), Labcorp
Classification: Likely pathogenic for Biotinidase deficiency. Last evaluated: 2025-12-31. Review status: criteria provided, single submitter. Criteria: Invitae Variant Classification Sherloc (09022015). Collection method: clinical testing. Allele origin: germline.
Comment: This sequence change replaces valine, which is neutral and non-polar, with isoleucine, which is neutral and non-polar, at codon 105 of the BTD protein (p.Val105Ile). This variant is present in population databases (no rsID available, gnomAD 0.0009%). This missense change has been observed in individual(s) with clinical features of biotinidase deficiency (internal data). In at least one individual the data is consistent with being in trans (on the opposite chromosome) from a pathogenic variant. ClinVar contains an entry for this variant (Variation ID: 3018596). Invitae Evidence Modeling of protein sequence and biophysical properties (such as structural, functional, and spatial information, amino acid conservation, physicochemical variation, residue mobility, and thermodynamic stability) indicates that this missense variant is expected to disrupt BTD protein function with a positive predictive value of 95%. In summary, the currently available evidence indicates that the variant is pathogenic, but additional data are needed to prove that conclusively. Therefore, this variant has been classified as Likely Pathogenic.

GeneDx
Classification: Uncertain significance. Last evaluated: 2025-02-17. Review status: criteria provided, single submitter. Criteria: GeneDx Variant Classification Process June 2021. Collection method: clinical testing. Allele origin: germline. Affected: yes.
Comment: Not observed at significant frequency in large population cohorts (gnomAD); In silico analysis indicates that this missense variant does not alter protein structure/function; Has not been previously published as pathogenic or benign to our knowledge